The following is an entry in ClinVar:

ClinVar aggregate classification (germline): Uncertain significance (1 of 4 stars; one submission).

Conditions:
Hereditary cancer-predisposing syndrome. Also called: Neoplastic Syndromes, Hereditary; Hereditary Cancer Syndrome; Hereditary neoplastic syndrome; Tumor predisposition. Identifiers: Orphanet 140162, MedGen C0027672, MeSH D009386, MONDO:0015356.

gnomAD v4.1: 1 of 1,613,938 alleles (0.000062%); highest among the groups gnomAD compares: East Asian, 0.0022%; no homozygotes.

Submission:

Labcorp Genetics (formerly Invitae), Labcorp
Classification: Uncertain significance for Hereditary cancer-predisposing syndrome. Last evaluated: 2020-10-12. Review status: criteria provided, single submitter. Criteria: Invitae Variant Classification Sherloc (09022015). Collection method: clinical testing. Allele origin: germline.
Comment: In summary, the available evidence is currently insufficient to determine the role of this variant in disease. Therefore, it has been classified as a Variant of Uncertain Significance. Algorithms developed to predict the effect of missense changes on protein structure and function (SIFT, PolyPhen-2, Align-GVGD) all suggest that this variant is likely to be tolerated, but these predictions have not been confirmed by published functional studies and their clinical significance is uncertain. This variant has not been reported in the literature in individuals with RAD50-related conditions. This variant is not present in population databases (ExAC no frequency). This sequence change replaces glycine with valine at codon 776 of the RAD50 protein (p.Gly776Val). The glycine residue is moderately conserved and there is a moderate physicochemical difference between glycine and valine.

NM_005732.4(RAD50):c.2327G>T (p.Gly776Val)

Gene: RAD50 (RAD50 double strand break repair protein; plus strand). Cytogenetic location: 5q31.1.
Variant type: single nucleotide variant.
Coding change: c.2327G>T on transcript NM_005732.4 (MANE Select); coding-DNA position 2327, G replaced by T.
Protein change: p.Gly776Val; replaces glycine 776 with valine.
Molecular consequence: missense variant.
Genome position (GRCh38, 1-based): chr5:132,603,419, G>T. VCF-style: chr5-132603419-G-T. GRCh37 (hg19) VCF-style: chr5-131939111-G-T.
Other names: short protein forms G776V.
Identifiers: ClinVar variation 1060411 (VCV001060411.9), dbSNP rs1174525743, ClinGen allele CA360954676.
Genomic context (GRCh38, chr5:132,603,419, plus strand): 5'-ATGTCAATAGAGACATACAGCGCCTAAAGAACGACATAGAAGAACAAGAAACACTCTTGG[G>T]TACAATAATGCCTGAAGAAGAAAGTGCCAAAGTATGCCTGACAGATGTTACAATTATGGA-3'
Protein context (NP_005723.2, residues 766-786): NDIEEQETLL[Gly776Val]TIMPEEESAK